The following is an entry in ClinVar:

NM_002691.4(POLD1):c.2236A>G (p.Ser746Gly)

Gene: POLD1 (DNA polymerase delta 1, catalytic subunit; plus strand). Cytogenetic location: 19q13.33.
Variant type: single nucleotide variant.
Coding change: c.2236A>G on transcript NM_002691.4 (MANE Select); coding-DNA position 2236, A replaced by G.
Protein change: p.Ser746Gly; replaces serine 746 with glycine.
Molecular consequence: missense variant. On other transcripts: non-coding transcript variant (1).
Genome position (GRCh38, 1-based): chr19:50,413,507, A>G. VCF-style: chr19-50413507-A-G. GRCh37 (hg19) VCF-style: chr19-50916764-A-G.
Other names: c.2236A>G, p.Ser746Gly (NM_001256849.1); c.2314A>G, p.Ser772Gly (NM_001308632.1); c.2236A>G (NM_002691.2); short protein forms S772G, S746G.
Identifiers: ClinVar variation 567798 (VCV000567798.9), dbSNP rs1568635090, ClinGen allele CA406983793.

ClinVar aggregate classification (germline): Uncertain significance. Review status: criteria provided, multiple submitters, no conflicts (2 of 4 stars). 2 submissions from 2 submitters: Uncertain significance (2). Last evaluated 2025-05-28.

Conditions:
POLD1-related polyposis and colorectal cancer syndrome (CRCS10). Also called: Colorectal cancer 10; COLORECTAL CANCER, SUSCEPTIBILITY TO, ON CHROMOSOME 19q; Colorectal cancer, susceptibility to, 10. Identifiers: Orphanet 220460, MedGen C2675481, MONDO:0012953, OMIM 612591.
Hereditary cancer-predisposing syndrome. Also called: Tumor predisposition; Neoplastic Syndromes, Hereditary; Hereditary Cancer Syndrome; Hereditary neoplastic syndrome. Identifiers: Orphanet 140162, MedGen C0027672, MeSH D009386, MONDO:0015356.

Submissions (2):

Ambry Genetics
Classification: Uncertain significance for Hereditary cancer-predisposing syndrome. Last evaluated: 2025-05-28. Review status: criteria provided, single submitter. Criteria: Ambry Variant Classification Scheme 2023. Collection method: clinical testing. Allele origin: germline.
Comment: The p.S746G variant (also known as c.2236A>G), located in coding exon 17 of the POLD1 gene, results from an A to G substitution at nucleotide position 2236. The serine at codon 746 is replaced by glycine, an amino acid with similar properties. This amino acid position is conserved. In addition, this alteration is predicted to be tolerated by in silico analysis. Based on the available evidence, the clinical significance of this variant remains unclear.

Labcorp Genetics (formerly Invitae), Labcorp
Classification: Uncertain significance for POLD1-related polyposis and colorectal cancer syndrome. Last evaluated: 2022-06-18. Review status: criteria provided, single submitter. Criteria: Invitae Variant Classification Sherloc (09022015). Collection method: clinical testing. Allele origin: germline.
Comment: This sequence change replaces serine, which is neutral and polar, with glycine, which is neutral and non-polar, at codon 746 of the POLD1 protein (p.Ser746Gly). This variant is not present in population databases (gnomAD no frequency). This variant has not been reported in the literature in individuals affected with POLD1-related conditions. ClinVar contains an entry for this variant (Variation ID: 567798). Algorithms developed to predict the effect of missense changes on protein structure and function output the following: SIFT: "Tolerated"; PolyPhen-2: "Benign"; Align-GVGD: "Class C0". The glycine amino acid residue is found in multiple mammalian species, which suggests that this missense change does not adversely affect protein function. In summary, the available evidence is currently insufficient to determine the role of this variant in disease. Therefore, it has been classified as a Variant of Uncertain Significance.